The following is an entry in ClinVar:

NM_001395413.1(POR):c.571C>T (p.Arg191Trp)

Gene: POR (cytochrome p450 oxidoreductase; plus strand). Cytogenetic location: 7q11.23.
Variant type: single nucleotide variant.
Coding change: c.571C>T on transcript NM_001395413.1 (MANE Select); coding-DNA position 571, C replaced by T.
Protein change: p.Arg191Trp; replaces arginine 191 with tryptophan.
Molecular consequence: missense variant.
Genome position (GRCh38, 1-based): chr7:75,981,111, C>T. VCF-style: chr7-75981111-C-T. GRCh37 (hg19) VCF-style: chr7-75610429-C-T.
Other names: c.571C>T, p.Arg191Trp (NM_001367562.3, NM_001382657.2, NM_001382658.3 and 2 more transcripts); c.625C>T, p.Arg209Trp (NM_001382655.3); c.580C>T (NM_000941.2); short protein forms R191W, R209W.
Identifiers: ClinVar variation 1374509 (VCV001374509.4), dbSNP rs782025961, ClinGen allele CA4303733.

ClinVar aggregate classification (germline): Uncertain significance. Review status: criteria provided, multiple submitters, no conflicts (2 of 4 stars). 2 submissions from 2 submitters: Uncertain significance (2). Last evaluated 2022-03-25.

Conditions:
Inborn genetic diseases. Identifiers: MedGen C0950123, MeSH D030342.
Congenital adrenal hyperplasia due to cytochrome P450 oxidoreductase deficiency. Also called: DISORDERED STEROIDOGENESIS DUE TO POR DEFICIENCY. Identifiers: Orphanet 95699, MedGen C1860042, MONDO:0013310, OMIM 613571.

Allele frequency attached by ClinVar (database versions not stated): gnomAD exomes 0.00005; gnomAD 0.00009; TOPMed 0.00011.
gnomAD v4.1: 188 of 1,566,148 alleles (0.012%); highest among the groups gnomAD compares: Non-Finnish European, 0.014%; no homozygotes.

Submissions (2):

Ambry Genetics
Classification: Uncertain significance for Inborn genetic diseases. Last evaluated: 2022-03-25. Review status: criteria provided, single submitter. Criteria: Ambry Variant Classification Scheme 2023. Collection method: clinical testing. Allele origin: germline.

Labcorp Genetics (formerly Invitae), Labcorp
Classification: Uncertain significance for Congenital adrenal hyperplasia due to cytochrome P450 oxidoreductase deficiency. Last evaluated: 2021-09-17. Review status: criteria provided, single submitter. Criteria: Invitae Variant Classification Sherloc (09022015). Collection method: clinical testing. Allele origin: germline.
Comment: This sequence change replaces arginine with tryptophan at codon 194 of the POR protein (p.Arg194Trp). The arginine residue is highly conserved and there is a moderate physicochemical difference between arginine and tryptophan. The frequency data for this variant in the population databases is considered unreliable, as metrics indicate poor data quality at this position in the ExAC database. This variant has not been reported in the literature in individuals affected with POR-related conditions. Algorithms developed to predict the effect of missense changes on protein structure and function (SIFT, PolyPhen-2, Align-GVGD) all suggest that this variant is likely to be disruptive. In summary, the available evidence is currently insufficient to determine the role of this variant in disease. Therefore, it has been classified as a Variant of Uncertain Significance.